The following is an entry in ClinVar:

NM_001374736.1(DST):c.17198A>G (p.Lys5733Arg)

Gene: DST (dystonin; minus strand). Cytogenetic location: 6p12.1.
Variant type: single nucleotide variant.
Coding change: c.17198A>G on transcript NM_001374736.1 (MANE Select); coding-DNA position 17198, A replaced by G.
Protein change: p.Lys5733Arg; replaces lysine 5733 with arginine.
Molecular consequence: missense variant.
Genome position (GRCh38, 1-based): chr6:56,530,044, T>C on the plus strand (A>G on the coding strand, the complement: DST is on the minus strand). VCF-style: chr6-56530044-T-C. GRCh37 (hg19) VCF-style: chr6-56394842-T-C.
Other names: c.10841A>G, p.Lys3614Arg (NM_001144769.5); c.10427A>G, p.Lys3476Arg (NM_001144770.2); c.17198A>G, p.Lys5733Arg (NM_001374722.1); c.16565A>G, p.Lys5522Arg (NM_001374729.1); c.10307A>G, p.Lys3436Arg (NM_001374730.1, NM_001386100.1, NM_183380.4); c.17225A>G, p.Lys5742Arg (NM_001374734.1); c.9329A>G, p.Lys3110Arg (NM_015548.5); short protein forms K3436R, K3614R, K3110R, K3476R, K5733R, K5522R, K5742R.
Identifiers: ClinVar variation 1924985 (VCV001924985.5), dbSNP rs2534844101, ClinGen allele CA364509287.

ClinVar aggregate classification (germline): Uncertain significance (1 of 4 stars; one submission).

Conditions:
Epidermolysis bullosa simplex 3, localized or generalized intermediate, with BP230 deficiency (EBS3). Also called: Epidermolysis bullosa simplex due to BP230 deficiency; Epidermolysis bullosa simplex, autosomal recessive 2. Identifiers: Orphanet 412181, MedGen C3809470, MONDO:0014180, OMIM 615425.
Hereditary sensory and autonomic neuropathy type 6. Also called: Neuropathy, hereditary sensory and autonomic, type VI; HSAN VI. Identifiers: Orphanet 314381, MedGen C3539003, MONDO:0013839, OMIM 614653.

Submission:

Labcorp Genetics (formerly Invitae), Labcorp
Classification: Uncertain significance for Epidermolysis bullosa simplex 3, localized or generalized intermediate, with BP230 deficiency; Hereditary sensory and autonomic neuropathy type 6. Last evaluated: 2024-04-15. Review status: criteria provided, single submitter. Criteria: Invitae Variant Classification Sherloc (09022015). Collection method: clinical testing. Allele origin: germline.
Comment: The DST gene has multiple clinically relevant transcripts. This variant occurs in alternate transcript NM_015548.4, and corresponds to NM_001723.5:c.*85473A>G in the primary transcript. This sequence change replaces lysine, which is basic and polar, with arginine, which is basic and polar, at codon 3110 of the DST protein (p.Lys3110Arg). This variant is not present in population databases (gnomAD no frequency). This variant has not been reported in the literature in individuals affected with DST-related conditions. Experimental studies and prediction algorithms are not available or were not evaluated, and the functional significance of this variant is currently unknown. In summary, the available evidence is currently insufficient to determine the role of this variant in disease. Therefore, it has been classified as a Variant of Uncertain Significance.